The following is an entry in ClinVar:

ClinVar aggregate classification (germline): Likely benign (1 of 4 stars; one submission).

Conditions:
CHST14-related disorder. Also called: CHST14-related condition.

Submission:

PreventionGenetics, part of Exact Sciences
Classification: Likely benign for CHST14-related condition. Last evaluated: 2025-11-13. Review status: criteria provided, single submitter. Criteria: ACMG Guidelines, 2015. Collection method: clinical testing. Allele origin: germline.
Comment: This variant is classified as likely benign based on ACMG/AMP sequence variant interpretation guidelines (Richards et al. 2015 PMID: 25741868, with internal and published modifications).

NM_130468.4(CHST14):c.*8_*9insCA

Gene: CHST14 (carbohydrate sulfotransferase 14; plus strand). Cytogenetic location: 15q15.1.
Variant type: Insertion.
Coding change: c.*8_*9insCA on transcript NM_130468.4 (MANE Select); 8 bases downstream of the stop codon through 9 bases downstream of the stop codon, CA inserted.
Molecular consequence: 3 prime UTR variant.
Genome position: GRCh38 VCF-style: chr15-40472352-T-TCA. GRCh37 (hg19) VCF-style: chr15-40764551-T-TCA.
Identifiers: ClinVar variation 4980301 (VCV004980301.1).